The following is an entry in ClinVar:

NM_001101.5(ACTB):c.363+15A>C

Gene: ACTB (actin beta; minus strand). Cytogenetic location: 7p22.1.
Variant type: single nucleotide variant.
Coding change: c.363+15A>C on transcript NM_001101.5 (MANE Select); 15 bases into the intron after coding-DNA position 363, A replaced by C.
Molecular consequence: intron variant.
Genome position (GRCh38, 1-based): chr7:5,529,146, T>G on the plus strand (A>C on the coding strand, the complement: ACTB is on the minus strand). VCF-style: chr7-5529146-T-G. GRCh37 (hg19) VCF-style: chr7-5568777-T-G.
Other names: c.363+15A>C (LRG_132t1).
Identifiers: ClinVar variation 561787 (VCV000561787.11), dbSNP rs772907450, ClinGen allele CA4147100.

ClinVar aggregate classification (germline): Likely benign. Review status: criteria provided, multiple submitters, no conflicts (2 of 4 stars). 4 submissions from 4 submitters: Likely benign (4). Last evaluated 2026-01-05.

Conditions:
Developmental malformations-deafness-dystonia syndrome (DDS1). Identifiers: Orphanet 79107, MedGen C5848323, MONDO:0011823, OMIM 607371.
Baraitser-Winter syndrome 1 (BRWS1). Also called: Cerebrofrontofacial syndrome; PACHYGYRIA, MENTAL RETARDATION, EPILEPSY, AND CHARACTERISTIC FACIES; MENTAL RETARDATION WITH EPILEPSY AND CHARACTERISTIC FACIES; BARAITSER-WINTER SYNDROME 1, ATYPICAL. Identifiers: Orphanet 2649, Orphanet 2995, MedGen C1855722, MONDO:0009470, OMIM 243310.

Allele frequency attached by ClinVar (database versions not stated): gnomAD 0.00003; gnomAD exomes 0.00003; ExAC 0.00005.

Submissions (4):

Women's Health and Genetics/Laboratory Corporation of America, LabCorp
Classification: Likely benign. Last evaluated: 2026-01-05. Review status: criteria provided, single submitter. Criteria: LabCorp Variant Classification Summary - May 2015. Collection method: clinical testing. Allele origin: germline.

Labcorp Genetics (formerly Invitae), Labcorp
Classification: Likely benign for Baraitser-Winter syndrome 1. Last evaluated: 2025-05-18. Review status: criteria provided, single submitter. Criteria: Invitae Variant Classification Sherloc (09022015). Collection method: clinical testing. Allele origin: germline.

Fulgent Genetics
Classification: Likely benign for Baraitser-Winter syndrome 1; Developmental malformations-deafness-dystonia syndrome. Last evaluated: 2021-12-23. Review status: criteria provided, single submitter. Criteria: ACMG Guidelines, 2015. Collection method: clinical testing. Allele origin: unknown.

GeneDx
Classification: Likely benign. Last evaluated: 2018-04-09. Review status: criteria provided, single submitter. Criteria: GeneDx Variant Classification (06012015). Collection method: clinical testing. Allele origin: germline. Affected: yes.
Comment: This variant is considered likely benign or benign based on one or more of the following criteria: it is a conservative change, it occurs at a poorly conserved position in the protein, it is predicted to be benign by multiple in silico algorithms, and/or has population frequency not consistent with disease.